The following is an entry in ClinVar:

ClinVar aggregate classification (germline): Uncertain significance (1 of 4 stars; one submission).

Conditions:
Cardiovascular phenotype. Identifiers: MedGen CN230736.

Submission:

Ambry Genetics
Classification: Uncertain significance for Cardiovascular phenotype. Last evaluated: 2023-09-25. Review status: criteria provided, single submitter. Criteria: Ambry Variant Classification Scheme 2023. Collection method: clinical testing. Allele origin: germline.
Comment: The p.M790I variant (also known as c.2370G>T), located in coding exon 6 of the ALPK3 gene, results from a G to T substitution at nucleotide position 2370. The methionine at codon 790 is replaced by isoleucine, an amino acid with highly similar properties. This amino acid position is conserved. In addition, this alteration is predicted to be tolerated by in silico analysis. Since supporting evidence is limited at this time, the clinical significance of this alteration remains unclear.

NM_020778.5(ALPK3):c.1764G>T (p.Met588Ile)

Gene: ALPK3 (alpha kinase 3; plus strand). Cytogenetic location: 15q25.3.
Variant type: single nucleotide variant.
Coding change: c.1764G>T on transcript NM_020778.5 (MANE Select); coding-DNA position 1764, G replaced by T.
Protein change: p.Met588Ile; replaces methionine 588 with isoleucine.
Molecular consequence: missense variant.
Genome position (GRCh38, 1-based): chr15:84,856,502, G>T. VCF-style: chr15-84856502-G-T. GRCh37 (hg19) VCF-style: chr15-85399733-G-T.
Other names: short protein forms M588I.
Identifiers: ClinVar variation 3227456 (VCV003227456.1), dbSNP rs2505718923, ClinGen allele CA393354550.
Genomic context (GRCh38, chr15:84,856,502, plus strand): 5'-CTCTGATGTAGCCTCCATTGGGGTTAGCACTTCCGGAAGTCAAGGTATCATTGAACCCAT[G>T]GATATGGAAACCCAGGAGGATGGGAGAACATCTGCTAACCAGAGAACTGGAAGCAAGAAG-3'
Protein context (NP_065829.4, residues 578-598): TSGSQGIIEP[Met588Ile]DMETQEDGRT